The following is an entry in ClinVar:

NM_000090.4(COL3A1):c.134G>A (p.Trp45Ter)

Gene: COL3A1 (collagen type III alpha 1 chain; plus strand). Cytogenetic location: 2q32.2.
Variant type: single nucleotide variant.
Coding change: c.134G>A on transcript NM_000090.4 (MANE Select); coding-DNA position 134, G replaced by A.
Protein change: p.Trp45Ter; replaces tryptophan 45 with a stop codon.
Molecular consequence: nonsense.
Genome position (GRCh38, 1-based): chr2:188,984,814, G>A. VCF-style: chr2-188984814-G-A. GRCh37 (hg19) VCF-style: chr2-189849540-G-A.
Other names: short protein forms W45*.
Identifiers: ClinVar variation 575406 (VCV000575406.8), dbSNP rs1559052609, ClinGen allele CA349846946.

ClinVar aggregate classification (germline): Pathogenic (1 of 4 stars; one submission).

Conditions:
Ehlers-Danlos syndrome, type 4 (EDSVASC). Also called: Ehlers-Danlos syndrome vascular type; Ehlers Danlos syndrome, ecchymotic type; Ehlers Danlos syndrome, arterial type; Ehlers Danlos syndrome, Sack-Barabas type; Ehlers-Danlos Syndrome Type IV. Identifiers: Orphanet 286, MedGen C0268338, MONDO:0017314, OMIM 130050.

Submission:

Labcorp Genetics (formerly Invitae), Labcorp
Classification: Pathogenic for Ehlers-Danlos syndrome, type 4. Last evaluated: 2024-12-17. Review status: criteria provided, single submitter. Criteria: Invitae Variant Classification Sherloc (09022015). Collection method: clinical testing. Allele origin: germline.
Comment: This sequence change creates a premature translational stop signal (p.Trp45*) in the COL3A1 gene. It is expected to result in an absent or disrupted protein product. Loss-of-function variants in COL3A1 are known to be pathogenic (PMID: 24922459). This variant is not present in population databases (gnomAD no frequency). This variant has not been reported in the literature in individuals affected with COL3A1-related conditions. ClinVar contains an entry for this variant (Variation ID: 575406). For these reasons, this variant has been classified as Pathogenic.

Literature cited by the submitters: PubMed 24922459.